The following is an entry in ClinVar:

NM_015338.6(ASXL1):c.1459G>A (p.Ala487Thr)

Gene: ASXL1 (ASXL transcriptional regulator 1; plus strand). Cytogenetic location: 20q11.21.
Variant type: single nucleotide variant.
Coding change: c.1459G>A on transcript NM_015338.6 (MANE Select); coding-DNA position 1459, G replaced by A.
Protein change: p.Ala487Thr; replaces alanine 487 with threonine.
Molecular consequence: missense variant.
Genome position (GRCh38, 1-based): chr20:32,433,657, G>A. VCF-style: chr20-32433657-G-A. GRCh37 (hg19) VCF-style: chr20-31021460-G-A.
Other names: c.1276G>A, p.Ala426Thr (NM_001363734.1); short protein forms A426T, A487T.
Identifiers: ClinVar variation 4589042 (VCV004589042.1).
Genomic context (GRCh38, chr20:32,433,657, plus strand): 5'-CCAGGCACATCCTCTGCAGCACCCGACCTGGAGGGTCCCGAATTCCCAGTTGAGTCTGTG[G>A]CTTCTCGGATCCAGGCTGAGCCAGACAACTTGGCACGTGCCTCTGCATCTCCAGACAGAA-3'
Protein context (NP_056153.2, residues 477-497): EGPEFPVESV[Ala487Thr]SRIQAEPDNL

ClinVar aggregate classification (germline): Uncertain significance (1 of 4 stars; one submission).

Conditions:
Inborn genetic diseases. Identifiers: MedGen C0950123, MeSH D030342.

gnomAD v4.1: 1 of 1,611,754 alleles (0.000062%); no homozygotes.

Submission:

Ambry Genetics
Classification: Uncertain significance for Inborn genetic diseases. Last evaluated: 2025-12-09. Review status: criteria provided, single submitter. Criteria: Ambry Variant Classification Scheme 2023. Collection method: clinical testing. Allele origin: germline.
Comment: The p.A487T variant (also known as c.1459G>A), located in coding exon 12 of the ASXL1 gene, results from a G to A substitution at nucleotide position 1459. The alanine at codon 487 is replaced by threonine, an amino acid with similar properties. This amino acid position is conserved. In addition, this alteration is predicted to be tolerated by in silico analysis. Based on the available evidence, the clinical significance of this variant remains unclear.